The following is an entry in ClinVar:

ClinVar aggregate classification (germline): Uncertain significance (1 of 4 stars; one submission).

Submission:

GeneDx
Classification: Uncertain significance. Last evaluated: 2023-07-20. Review status: criteria provided, single submitter. Criteria: GeneDx Variant Classification Process June 2021. Collection method: clinical testing. Allele origin: germline. Affected: yes.
Comment: Not observed at significant frequency in large population cohorts (gnomAD); In silico analysis supports that this missense variant does not alter protein structure/function; Has not been previously published as pathogenic or benign to our knowledge

NM_005121.3(MED13):c.6331G>C (p.Glu2111Gln)

Gene: MED13 (mediator complex subunit 13; minus strand). Cytogenetic location: 17q23.2.
Variant type: single nucleotide variant.
Coding change: c.6331G>C on transcript NM_005121.3 (MANE Select); coding-DNA position 6331, G replaced by C.
Protein change: p.Glu2111Gln; replaces glutamic acid 2111 with glutamine.
Molecular consequence: missense variant.
Genome position (GRCh38, 1-based): chr17:61,946,978, C>G on the plus strand (G>C on the coding strand, the complement: MED13 is on the minus strand). VCF-style: chr17-61946978-C-G. GRCh37 (hg19) VCF-style: chr17-60024339-C-G.
Other names: short protein forms E2111Q.
Identifiers: ClinVar variation 3361313 (VCV003361313.1).